The following is an entry in ClinVar:

ClinVar aggregate classification (germline): Conflicting classifications of pathogenicity. Review status: criteria provided, conflicting classifications (1 of 4 stars). 3 submissions from 3 submitters: Uncertain significance (1); Likely benign (2). Last evaluated 2026-08-17.

Conditions:
CERKL-related disorder. Also called: CERKL-related condition.

Allele frequency attached by ClinVar (database versions not stated): gnomAD 0.00011 and 0.00012; TOPMed 0.00012; ESP Exome Variant Server 0.00023.
gnomAD v4.1: 134 of 1,612,980 alleles (0.0083%); highest among the groups gnomAD compares: Middle Eastern, 0.049%; no homozygotes.

Submissions (3):

PreventionGenetics, part of Exact Sciences
Classification: Likely benign for CERKL-related condition. Last evaluated: 2026-08-17. Review status: criteria provided, single submitter. Criteria: ACMG Guidelines, 2015. Collection method: clinical testing. Allele origin: germline.
Comment: This variant is classified as likely benign based on ACMG/AMP sequence variant interpretation guidelines (Richards et al. 2015 PMID: 25741868, with internal and published modifications).

Labcorp Genetics (formerly Invitae), Labcorp
Classification: Likely benign. Last evaluated: 2026-01-03. Review status: criteria provided, single submitter. Criteria: Invitae Variant Classification Sherloc (09022015). Collection method: clinical testing. Allele origin: germline.

Blueprint Genetics
Classification: Uncertain significance. Last evaluated: 2024-09-02. Review status: criteria provided, single submitter. Criteria: ACMG Guidelines, 2015. Collection method: clinical testing. Allele origin: germline.

NM_201548.5(CERKL):c.1074-6T>C

Gene: CERKL (CERK like autophagy regulator; minus strand). Cytogenetic location: 2q31.3.
Variant type: single nucleotide variant.
Coding change: c.1074-6T>C on transcript NM_201548.5 (MANE Select); 6 bases into the intron before coding-DNA position 1074, T replaced by C.
Molecular consequence: intron variant.
Genome position (GRCh38, 1-based): chr2:181,548,610, A>G on the plus strand (T>C on the coding strand, the complement: CERKL is on the minus strand). VCF-style: chr2-181548610-A-G. GRCh37 (hg19) VCF-style: chr2-182413337-A-G.
Other names: c.735-6T>C (NM_001030312.3); c.1020-6T>C (NM_001160277.2); c.867-6T>C (NM_001030313.3); c.1152-6T>C (NM_001030311.3, NM_001030311.2).
Identifiers: ClinVar variation 1148904 (VCV001148904.11), dbSNP rs200179024, ClinGen allele CA2010571.